The following is an entry in ClinVar:

ClinVar aggregate classification (germline): Uncertain significance (1 of 4 stars; one submission).

Conditions:
MHC class II deficiency. Also called: BLS, TYPE II; Bare lymphocyte syndrome 2. Identifiers: Orphanet 572, MedGen C5447452, MONDO:0008855.

Submission:

Labcorp Genetics (formerly Invitae), Labcorp
Classification: Uncertain significance for MHC class II deficiency. Last evaluated: 2021-09-30. Review status: criteria provided, single submitter. Criteria: Invitae Variant Classification Sherloc (09022015). Collection method: clinical testing. Allele origin: germline.
Comment: This variant is not present in population databases (ExAC no frequency). This sequence change replaces glutamic acid with glutamine at codon 302 of the CIITA protein (p.Glu302Gln). The glutamic acid residue is moderately conserved and there is a small physicochemical difference between glutamic acid and glutamine. This variant has not been reported in the literature in individuals affected with CIITA-related conditions. Algorithms developed to predict the effect of missense changes on protein structure and function are either unavailable or do not agree on the potential impact of this missense change (SIFT: "Tolerated"; PolyPhen-2: "Possibly Damaging"; Align-GVGD: "Class C0"). In summary, the available evidence is currently insufficient to determine the role of this variant in disease. Therefore, it has been classified as a Variant of Uncertain Significance.

NM_000246.4(CIITA):c.904G>C (p.Glu302Gln)

Gene: CIITA (class II major histocompatibility complex transactivator; plus strand). Cytogenetic location: 16p13.13.
Variant type: single nucleotide variant.
Coding change: c.904G>C on transcript NM_000246.4 (MANE Select); coding-DNA position 904, G replaced by C.
Protein change: p.Glu302Gln; replaces glutamic acid 302 with glutamine.
Molecular consequence: missense variant. On other transcripts: non-coding transcript variant (1).
Genome position (GRCh38, 1-based): chr16:10,903,862, G>C. VCF-style: chr16-10903862-G-C. GRCh37 (hg19) VCF-style: chr16-10997719-G-C.
Other names: c.907G>C, p.Glu303Gln (NM_001286402.1, NM_001379332.1); c.757G>C, p.Glu253Gln (NM_001286403.2, NM_001379331.1); c.760G>C, p.Glu254Gln (NM_001379330.1); c.904G>C, p.Glu302Gln (NM_001379333.1); c.835G>C, p.Glu279Gln (NM_001379334.1); short protein forms E279Q, E303Q, E253Q, E302Q, E254Q.
Identifiers: ClinVar variation 1383923 (VCV001383923.6), dbSNP rs2144617207, ClinGen allele CA394729352.